The following is an entry in ClinVar:

NM_001081.4(CUBN):c.3143G>A (p.Cys1048Tyr)

Gene: CUBN (cubilin; minus strand). Cytogenetic location: 10p13.
Variant type: single nucleotide variant.
Coding change: c.3143G>A on transcript NM_001081.4 (MANE Select); coding-DNA position 3143, G replaced by A.
Protein change: p.Cys1048Tyr; replaces cysteine 1048 with tyrosine.
Molecular consequence: missense variant.
Genome position (GRCh38, 1-based): chr10:17,047,600, C>T on the plus strand (G>A on the coding strand, the complement: CUBN is on the minus strand). VCF-style: chr10-17047600-C-T. GRCh37 (hg19) VCF-style: chr10-17089599-C-T.
Other names: short protein forms C1048Y.
Identifiers: ClinVar variation 2105023 (VCV002105023.4), dbSNP rs2491949386, ClinGen allele CA376150965.

ClinVar aggregate classification (germline): Uncertain significance (1 of 4 stars; one submission).

Conditions:
Imerslund-Grasbeck syndrome. Also called: PERNICIOUS ANEMIA, JUVENILE, DUE TO SELECTIVE INTESTINAL MALABSORPTION OF VITAMIN B12, WITH PROTEINURIA; Megaloblastic anemia due to inborn errors of metabolism; Imerslund-Gräsbeck syndrome; ENTEROCYTE COBALAMIN MALABSORPTION; ENTEROCYTE INTRINSIC FACTOR RECEPTOR, DEFECT OF. Identifiers: Orphanet 35858, MedGen C4551825, MONDO:0009853.

Allele frequency attached by ClinVar (database versions not stated): gnomAD exomes below 0.00001.
gnomAD v4.1: 2 of 1,613,720 alleles (0.00012%); highest among the groups gnomAD compares: African/African-American, 0.0013%; no homozygotes.

Submission:

Labcorp Genetics (formerly Invitae), Labcorp
Classification: Uncertain significance for Imerslund-Grasbeck syndrome. Last evaluated: 2023-08-17. Review status: criteria provided, single submitter. Criteria: Invitae Variant Classification Sherloc (09022015). Collection method: clinical testing. Allele origin: germline.
Comment: This sequence change replaces cysteine, which is neutral and slightly polar, with tyrosine, which is neutral and polar, at codon 1048 of the CUBN protein (p.Cys1048Tyr). This variant is not present in population databases (gnomAD no frequency). This variant has not been reported in the literature in individuals affected with CUBN-related conditions. ClinVar contains an entry for this variant (Variation ID: 2105023). Advanced modeling of protein sequence and biophysical properties (such as structural, functional, and spatial information, amino acid conservation, physicochemical variation, residue mobility, and thermodynamic stability) performed at Invitae indicates that this missense variant is expected to disrupt CUBN protein function. In summary, the available evidence is currently insufficient to determine the role of this variant in disease. Therefore, it has been classified as a Variant of Uncertain Significance.